The following is an entry in ClinVar:

ClinVar aggregate classification (germline): Pathogenic (1 of 4 stars; one submission).

Conditions:
Early-infantile DEE. Also called: Early infantile epileptic encephalopathy; Early infantile epileptic encephalopathy with suppression bursts; Ohtahara syndrome. Identifiers: Orphanet 1934, MedGen C0393706, MONDO:0800491.

Submission:

Labcorp Genetics (formerly Invitae), Labcorp
Classification: Pathogenic for Early-infantile DEE. Last evaluated: 2024-04-25. Review status: criteria provided, single submitter. Criteria: Invitae Variant Classification Sherloc (09022015). Collection method: clinical testing. Allele origin: germline.
Comment: This sequence change replaces glycine, which is neutral and non-polar, with arginine, which is basic and polar, at codon 1475 of the SCN8A protein (p.Gly1475Arg). This variant is not present in population databases (gnomAD no frequency). This missense change has been observed in individual(s) with epileptic encephalopathy (PMID: 27864847, 28923014, 30171078). In at least one individual the variant was observed to be de novo. ClinVar contains an entry for this variant (Variation ID: 1345807). Advanced modeling of protein sequence and biophysical properties (such as structural, functional, and spatial information, amino acid conservation, physicochemical variation, residue mobility, and thermodynamic stability) has been performed at Invitae for this missense variant, however the output from this modeling did not meet the statistical confidence thresholds required to predict the impact of this variant on SCN8A protein function. Experimental studies have shown that this missense change affects SCN8A function (PMID: 30615093). Algorithms developed to predict the effect of sequence changes on RNA splicing suggest that this variant may create or strengthen a splice site. For these reasons, this variant has been classified as Pathogenic.

Literature cited by the submitters: PubMed 27864847; PubMed 28923014; PubMed 30171078; PubMed 30615093.

NM_001330260.2(SCN8A):c.4423G>C (p.Gly1475Arg)

Gene: SCN8A (sodium voltage-gated channel alpha subunit 8; plus strand). Cytogenetic location: 12q13.13.
Variant type: single nucleotide variant.
Coding change: c.4423G>C on transcript NM_001330260.2 (MANE Select); coding-DNA position 4423, G replaced by C.
Protein change: p.Gly1475Arg; replaces glycine 1475 with arginine.
Molecular consequence: missense variant.
Genome position (GRCh38, 1-based): chr12:51,790,401, G>C. VCF-style: chr12-51790401-G-C. GRCh37 (hg19) VCF-style: chr12-52184185-G-C.
Other names: c.4300G>C, p.Gly1434Arg (NM_001177984.3, NM_001369788.1); c.4423G>C, p.Gly1475Arg (NM_014191.4); short protein forms G1434R, G1475R.
Identifiers: ClinVar variation 1345807 (VCV001345807.9), dbSNP rs796053216, ClinGen allele CA384909007.
Genomic context (GRCh38, chr12:51,790,401, plus strand): 5'-ACCCATAGCATGTTGAGAGCCAGTTGTAATTGTCTGTTTTCTTCTTCCCTCCTTTACTTC[G>C]GAGGTCAGGACATCTTCATGACCGAAGAACAGAAGAAGTACTACAATGCCATGAAAAAGC-3'
Protein context (NP_001317189.1, residues 1465-1485): DNFNQQKKKF[Gly1475Arg]GQDIFMTEEQ